The following is an entry in ClinVar:

ClinVar aggregate classification (germline): Uncertain significance (1 of 4 stars; one submission).

Conditions:
Aortic aneurysm, familial thoracic 4 (AAT4). Also called: AORTIC ANEURYSM/AORTIC DISSECTION AND PATENT DUCTUS ARTERIOSUS. Identifiers: MedGen C1851504, MONDO:0007568, OMIM 132900.

Allele frequency attached by ClinVar (database versions not stated): gnomAD exomes below 0.00001.
gnomAD v4.1: 2 of 1,613,908 alleles (0.00012%); highest among the groups gnomAD compares: Non-Finnish European, 0.00017%; no homozygotes.

Submission:

MVZ Medizinische Genetik Mainz
Classification: Uncertain significance for Aortic aneurysm, familial thoracic 4. Last evaluated: 2022-04-06. Review status: criteria provided, single submitter. Criteria: UK Practice Guidelines For Variant Classification V4 01 2020. Collection method: clinical testing. Allele origin: germline. Inheritance: Autosomal dominant inheritance. Affected: yes. Observed: 1 variant allele.
Comment: PM2_SUP, PP3

NM_002474.3(MYH11):c.4712C>T (p.Ala1571Val)

Genes: NDE1 (nudE neurodevelopment protein 1; plus strand), MYH11 (myosin heavy chain 11; minus strand). Cytogenetic location: 16p13.11.
Variant type: single nucleotide variant.
Coding change: c.4712C>T on transcript NM_002474.3 (MANE Select); coding-DNA position 4712, C replaced by T.
Protein change: p.Ala1571Val; replaces alanine 1571 with valine.
Molecular consequence: missense variant. On other transcripts: intron variant (2).
Genome position (GRCh38, 1-based): chr16:15,720,918, G>A on the plus strand (C>T on the coding strand, the complement: MYH11 is on the minus strand). VCF-style: chr16-15720918-G-A. GRCh37 (hg19) VCF-style: chr16-15814775-G-A.
Other names: c.4733C>T, p.Ala1578Val (NM_001040113.2, NM_001040114.2); c.4712C>T, p.Ala1571Val (NM_022844.3); c.948-3273G>A (NM_001143979.2, NM_017668.3); short protein forms A1571V, A1578V.
Identifiers: ClinVar variation 3061848 (VCV003061848.1), dbSNP rs1189029785, ClinGen allele CA394853807.